The following is an entry in ClinVar:

ClinVar aggregate classification (germline): Likely pathogenic (1 of 4 stars; one submission).

Conditions:
Macular degeneration, early-onset (EOMD). Identifiers: MedGen C4015286, MONDO:0014501, OMIM 616118.
Congenital contractural arachnodactyly (CCA). Also called: BEALS SYNDROME; Beals-Hecht syndrome; Arthrogryposis, distal, type 9. Identifiers: Orphanet 115, MedGen C0220668, MONDO:0007363, OMIM 121050.

Submission:

Juno Genomics, Hangzhou Juno Genomics, Inc
Classification: Likely pathogenic for Congenital contractural arachnodactyly; Macular degeneration, early-onset. Review status: criteria provided, single submitter. Criteria: ACMG Guidelines, 2015. Collection method: clinical testing. Allele origin: germline. Affected: yes.
Comment: Absent from controls (or at extremely low frequency if recessive) in Genome Aggregation Database.;Null variant in a gene where loss of function (LOF) is a known mechanism of disease.;The prevalence of the variant in affected individuals is significantly increased compared to the prevalence in controls.;Co-segregation with disease in multiple affected family members.;Patient's phenotype or family history is highly specific for a disease with a single genetic etiology.

NM_001999.4(FBN2):c.3724+3A>C

Gene: FBN2 (fibrillin 2; minus strand). Cytogenetic location: 5q23.3.
Variant type: single nucleotide variant.
Coding change: c.3724+3A>C on transcript NM_001999.4 (MANE Select); 3 bases into the intron after coding-DNA position 3724, A replaced by C.
Molecular consequence: intron variant.
Genome position (GRCh38, 1-based): chr5:128,335,985, T>G on the plus strand (A>C on the coding strand, the complement: FBN2 is on the minus strand). VCF-style: chr5-128335985-T-G. GRCh37 (hg19) VCF-style: chr5-127671677-T-G.
Identifiers: ClinVar variation 4531300 (VCV004531300.3).